The following is an entry in ClinVar:

NM_001429.4(EP300):c.3063T>C (p.Thr1021=)

Genes: EP300 (EP300 lysine acetyltransferase; plus strand), LOC126863158 (BRD4-independent group 4 enhancer GRCh37_chr22:41547383-41548582; plus strand). Cytogenetic location: 22q13.2.
Variant type: single nucleotide variant.
Coding change: c.3063T>C on transcript NM_001429.4 (MANE Select); coding-DNA position 3063, T replaced by C.
Protein change: p.Thr1021=; no amino-acid change (threonine 1021 retained).
Molecular consequence: synonymous variant.
Genome position (GRCh38, 1-based): chr22:41,152,271, T>C. VCF-style: chr22-41152271-T-C. GRCh37 (hg19) VCF-style: chr22-41548275-T-C.
Other names: c.2985T>C, p.Thr995= (NM_001362843.2).
Identifiers: ClinVar variation 93737 (VCV000093737.42), dbSNP rs142431552, ClinGen allele CA147266.

ClinVar aggregate classification (germline): Benign/Likely benign. Review status: criteria provided, multiple submitters, no conflicts (2 of 4 stars). 5 submissions from 5 submitters: Benign (2); Likely benign (3). Last evaluated 2025-10-29.

Conditions:
Rubinstein-Taybi syndrome due to EP300 haploinsufficiency. Also called: EP300-Related Rubinstein-Taybi Syndrome; RUBINSTEIN-TAYBI SYNDROME 2. Identifiers: Orphanet 353284, Orphanet 783, MedGen C3150941, MONDO:0013364, OMIM 613684.

Allele frequency attached by ClinVar (database versions not stated): gnomAD exomes 0.00006 and 0.00012; ExAC 0.00017; ESP Exome Variant Server 0.00023; TOPMed 0.00040; gnomAD 0.00042 and 0.00043; 1000 Genomes Project 30x 0.00078; 1000 Genomes Project 0.00100.
gnomAD v4.1: 155 of 1,614,144 alleles (0.0096%); highest among the groups gnomAD compares: African/African-American, 0.17%; 1 homozygote.

Submissions (5):

Labcorp Genetics (formerly Invitae), Labcorp
Classification: Benign for Rubinstein-Taybi syndrome due to EP300 haploinsufficiency. Last evaluated: 2025-10-29. Review status: criteria provided, single submitter. Criteria: Invitae Variant Classification Sherloc (09022015). Collection method: clinical testing. Allele origin: germline.

Blueprint Genetics
Classification: Likely benign. Last evaluated: 2024-02-08. Review status: criteria provided, single submitter. Criteria: ACMG Guidelines, 2015. Collection method: clinical testing. Allele origin: germline.

CeGaT Center for Human Genetics Tuebingen
Classification: Likely benign. Last evaluated: 2024-01-01. Review status: criteria provided, single submitter. Criteria: CeGaT Center For Human Genetics Tuebingen Variant Classification Criteria Version 2. Collection method: clinical testing. Allele origin: germline. Affected: yes. Observed: 2 variant alleles.
Comment: EP300: BP4, BP7, BS1

GeneDx
Classification: Benign. Last evaluated: 2020-12-14. Review status: criteria provided, single submitter. Criteria: GeneDx Variant Classification Process June 2021. Collection method: clinical testing. Allele origin: germline. Affected: yes.

Eurofins Ntd Llc (ga)
Classification: Likely benign. Last evaluated: 2013-10-04. Review status: criteria provided, single submitter. Criteria: EGL Classification Definitions 2015. Collection method: clinical testing. Allele origin: germline. Observed: 1 variant allele, 1 heterozygote.